The following is an entry in ClinVar:

NM_000059.4(BRCA2):c.4567G>A (p.Gly1523Ser)

Gene: BRCA2 (BRCA2 DNA repair associated; plus strand). Cytogenetic location: 13q13.1.
Variant type: single nucleotide variant.
Coding change: c.4567G>A on transcript NM_000059.4 (MANE Select); coding-DNA position 4567, G replaced by A.
Protein change: p.Gly1523Ser; replaces glycine 1523 with serine.
Molecular consequence: missense variant.
Genome position (GRCh38, 1-based): chr13:32,338,922, G>A. VCF-style: chr13-32338922-G-A. GRCh37 (hg19) VCF-style: chr13-32913059-G-A.
Other names: short protein forms G1523S.
Identifiers: ClinVar variation 140987 (VCV000140987.31), dbSNP rs587781418, ClinGen allele CA020470.

ClinVar aggregate classification (germline): Conflicting classifications of pathogenicity. Review status: criteria provided, conflicting classifications (1 of 4 stars). 9 submissions from 9 submitters: Uncertain significance (7); Likely benign (2). Last evaluated 2026-01-18.

Conditions:
Hereditary cancer-predisposing syndrome. Also called: Neoplastic Syndromes, Hereditary; Hereditary Cancer Syndrome; Tumor predisposition; Hereditary neoplastic syndrome. Identifiers: Orphanet 140162, MedGen C0027672, MeSH D009386, MONDO:0015356.
Hereditary breast ovarian cancer syndrome. Also called: Hereditary breast and/or ovarian cancer syndrome; Hereditary breast and ovarian cancer syndrome (HBOC); Hereditary breast and ovarian cancer syndrome; Hereditary breast and ovarian cancer; Breast and ovarian cancer; BRCA1- and BRCA2-Associated Hereditary Breast and Ovarian Cancer. Identifiers: Orphanet 145, MedGen C0677776, MeSH D061325, MONDO:0003582. Disease mechanism: loss of function.

Submissions (9):

Labcorp Genetics (formerly Invitae), Labcorp
Classification: Uncertain significance for Hereditary breast ovarian cancer syndrome. Last evaluated: 2026-01-18. Review status: criteria provided, single submitter. Criteria: Invitae Variant Classification Sherloc (09022015). Collection method: clinical testing. Allele origin: germline.
Comment: This sequence change replaces glycine, which is neutral and non-polar, with serine, which is neutral and polar, at codon 1523 of the BRCA2 protein (p.Gly1523Ser). This variant is not present in population databases (gnomAD no frequency). This variant has not been reported in the literature in individuals affected with BRCA2-related conditions. ClinVar contains an entry for this variant (Variation ID: 140987). Invitae Evidence Modeling of protein sequence and biophysical properties (such as structural, functional, and spatial information, amino acid conservation, physicochemical variation, residue mobility, and thermodynamic stability) indicates that this missense variant is not expected to disrupt BRCA2 protein function with a negative predictive value of 95%. In summary, the available evidence is currently insufficient to determine the role of this variant in disease. Therefore, it has been classified as a Variant of Uncertain Significance.

Ambry Genetics
Classification: Uncertain significance for Hereditary cancer-predisposing syndrome. Last evaluated: 2025-05-08. Review status: criteria provided, single submitter. Criteria: Ambry Variant Classification Scheme 2023. Collection method: clinical testing. Allele origin: germline.
Comment: The p.G1523S variant (also known as c.4567G>A), located in coding exon 10 of the BRCA2 gene, results from a G to A substitution at nucleotide position 4567. The glycine at codon 1523 is replaced by serine, an amino acid with similar properties. This amino acid position is not well conserved in available vertebrate species. In addition, this alteration is predicted to be tolerated by in silico analysis. Since supporting evidence is limited at this time, the clinical significance of this alteration remains unclear.

GeneDx
Classification: Uncertain significance. Last evaluated: 2025-03-20. Review status: criteria provided, single submitter. Criteria: GeneDx Variant Classification Process June 2021. Collection method: clinical testing. Allele origin: germline. Affected: yes.
Comment: Not observed at significant frequency in large population cohorts (gnomAD); In silico analysis supports that this missense variant has a deleterious effect on protein structure/function; Also known as 4795G>A; This variant is associated with the following publications: (PMID: 22193408, 9002670, 32377563, 33471991, 35325018, 35585550, 29884841)

Center for Genomic Medicine, Rigshospitalet, Copenhagen University Hospital
Classification: Uncertain significance. Last evaluated: 2025-03-04. Review status: criteria provided, single submitter. Criteria: ACMG Guidelines, 2015. Collection method: clinical testing. Allele origin: germline.

Blueprint Genetics
Classification: Likely benign. Last evaluated: 2024-07-12. Review status: criteria provided, single submitter. Criteria: ACMG Guidelines, 2015. Collection method: clinical testing. Allele origin: germline.

Color Diagnostics, LLC DBA Color Health
Classification: Uncertain significance for Hereditary cancer-predisposing syndrome. Last evaluated: 2023-08-01. Review status: criteria provided, single submitter. Criteria: ACMG Guidelines, 2015. Collection method: clinical testing. Allele origin: germline.
Comment: This missense variant replaces glycine with serine at codon 1523 of the BRCA2 protein. Computational prediction is inconclusive regarding the impact of this variant on protein structure and function (internally defined REVEL score threshold 0.5 < inconclusive < 0.7, PMID: 27666373). To our knowledge, functional studies have not been reported for this variant. This variant has been detected in a breast cancer case-control meta-analysis in 0/60463 cases and 1/53461 unaffected individuals (PMID: 33471991; Leiden Open Variation Database DB-ID BRCA2_008239). This variant has not been identified in the general population by the Genome Aggregation Database (gnomAD). The available evidence is insufficient to determine the role of this variant in disease conclusively. Therefore, this variant is classified as a Variant of Uncertain Significance.

University of Washington Department of Laboratory Medicine, University of Washington
Classification: Likely benign for Hereditary cancer-predisposing syndrome. Last evaluated: 2023-03-23. Review status: criteria provided, single submitter. Criteria: Dines et al. (Genet Med. 2020). Collection method: curation. Allele origin: germline.
Comment: Missense variant in a coldspot region where missense variants are very unlikely to be pathogenic (PMID:31911673).

BRCA2 exon 11 coldspot. Reclassification based on statistical prior probability.

Genetic Services Laboratory, University of Chicago
Classification: Uncertain significance. Last evaluated: 2021-10-11. Review status: criteria provided, single submitter. Criteria: ACMG Guidelines, 2015. Collection method: clinical testing. Allele origin: germline. Affected: no.
Comment: This sequence change does not appear to have been previously described in individuals with BRCA2-related disorders and has also not been described in the population databases such as ExAC and gnomAD. The p.Gly1523Ser change affects a highly conserved amino acid residue located in a domain of the BRCA2 protein that is known to be functional. The p.Gly1523Ser substitution appears to be benign using several in-silico pathogenicity prediction tools (SIFT, PolyPhen2, Align GVGD, REVEL). Due to insufficient evidence and the lack of functional studies, the clinical significance of the p.Gly1523Ser change remains unknown at this time.

Quest Diagnostics Nichols Institute San Juan Capistrano
Classification: Uncertain significance. Last evaluated: 2017-05-24. Review status: criteria provided, single submitter. Criteria: Quest Diagnostics criteria. Collection method: clinical testing. Allele origin: germline.

Literature cited by the submitters: PubMed 33471991 (cited by Color Diagnostics, LLC DBA Color Health).